The following is an entry in ClinVar:

NM_032638.5(GATA2):c.790C>T (p.Leu264Phe)

Gene: GATA2 (GATA binding protein 2; minus strand). Cytogenetic location: 3q21.3.
Variant type: single nucleotide variant.
Coding change: c.790C>T on transcript NM_032638.5 (MANE Select); coding-DNA position 790, C replaced by T.
Protein change: p.Leu264Phe; replaces leucine 264 with phenylalanine.
Molecular consequence: missense variant.
Genome position (GRCh38, 1-based): chr3:128,485,808, G>A on the plus strand (C>T on the coding strand, the complement: GATA2 is on the minus strand). VCF-style: chr3-128485808-G-A. GRCh37 (hg19) VCF-style: chr3-128204651-G-A.
Other names: c.790C>T, p.Leu264Phe (NM_001145661.2, NM_001145662.1); short protein forms L264F.
Identifiers: ClinVar variation 856561 (VCV000856561.10), dbSNP rs1559986980, ClinGen allele CA354405905.
Genomic context (GRCh38, chr3:128,485,808, plus strand): 5'-TGCGCTGCTTAGGGGTGAAGCTGGAGGCCGGTCCCCCCAGGAAGCCTCCGGGGTGGAAGA[G>A]TCCGCTGCTGTAGTCGTGGGCAGCCGCCGGCACATAGGAGGGGTAGGTGGGGATGGGGTG-3'
Protein context (NP_116027.2, residues 254-274): PAAAHDYSSG[Leu264Phe]FHPGGFLGGP

ClinVar aggregate classification (germline): Uncertain significance. Review status: criteria provided, multiple submitters, no conflicts (2 of 4 stars). 2 submissions from 2 submitters: Uncertain significance (2). Last evaluated 2025-05-03.

Conditions:
Inborn genetic diseases. Identifiers: MedGen C0950123, MeSH D030342.
Deafness-lymphedema-leukemia syndrome. Also called: Lymphedema, primary, with myelodysplasia; Emberger syndrome. Identifiers: Orphanet 3226, MedGen C3279664, MONDO:0013540, OMIM 614038.
Monocytopenia with susceptibility to infections. Also called: Dendritic cell, monocyte, B lymphocyte, and natural killer lymphocyte deficiency; MONOCYTOPENIA AND MYCOBACTERIAL INFECTION SYNDROME; MONOCYTOPENIA WITH SUSCEPTIBILITY TO MYCOBACTERIAL, FUNGAL, AND PAPILLOMAVIRUS INFECTIONS AND MYELODYSPLASIA; COMBINED IMMUNODEFICIENCY WITH SUSCEPTIBILITY TO MYCOBACTERIAL, VIRAL, AND FUNGAL INFECTIONS; IMMUNODEFICIENCY 21; GATA2 DEFICIENCY. Identifiers: Orphanet 228423, MedGen C3280030, MONDO:0013607, OMIM 614172.

Allele frequency attached by ClinVar (database versions not stated): gnomAD exomes below 0.00001 and 0.00001.

Submissions (2):

Ambry Genetics
Classification: Uncertain significance for Inborn genetic diseases. Last evaluated: 2025-05-03. Review status: criteria provided, single submitter. Criteria: Ambry Variant Classification Scheme 2023. Collection method: clinical testing. Allele origin: germline.
Comment: The p.L264F variant (also known as c.790C>T), located in coding exon 2 of the GATA2 gene, results from a C to T substitution at nucleotide position 790. The leucine at codon 264 is replaced by phenylalanine, an amino acid with highly similar properties. This amino acid position is highly conserved in available vertebrate species. In addition, this alteration is predicted to be deleterious by in silico analysis. Based on the available evidence, the clinical significance of this variant remains unclear.

Labcorp Genetics (formerly Invitae), Labcorp
Classification: Uncertain significance for Monocytopenia with susceptibility to infections; Deafness-lymphedema-leukemia syndrome. Last evaluated: 2020-10-05. Review status: criteria provided, single submitter. Criteria: Invitae Variant Classification Sherloc (09022015). Collection method: clinical testing. Allele origin: germline.
Comment: In summary, the available evidence is currently insufficient to determine the role of this variant in disease. Therefore, it has been classified as a Variant of Uncertain Significance. Algorithms developed to predict the effect of missense changes on protein structure and function are either unavailable or do not agree on the potential impact of this missense change (SIFT: "Tolerated"; PolyPhen-2: "Probably Damaging"; Align-GVGD: "Class C0"). This variant has not been reported in the literature in individuals with GATA2-related conditions. This variant is not present in population databases (ExAC no frequency). This sequence change replaces leucine with phenylalanine at codon 264 of the GATA2 protein (p.Leu264Phe). The leucine residue is moderately conserved and there is a small physicochemical difference between leucine and phenylalanine.